The following is an entry in ClinVar:

ClinVar aggregate classification (germline): Uncertain significance (1 of 4 stars; one submission).

Conditions:
Charcot-Marie-Tooth disease axonal type 2F (CMT2F). Also called: CHARCOT-MARIE-TOOTH DISEASE, NEURONAL, TYPE 2F; Charcot-Marie-Tooth Neuropathy Type 2F. Identifiers: Orphanet 99940, MedGen C1847823, MONDO:0011687, OMIM 606595.

Allele frequency attached by ClinVar (database versions not stated): gnomAD exomes 0.00001 and 0.00003; TOPMed 0.00002.
gnomAD v4.1: 17 of 1,608,068 alleles (0.0011%); highest among the groups gnomAD compares: Middle Eastern, 0.034%; no homozygotes.

Submission:

Labcorp Genetics (formerly Invitae), Labcorp
Classification: Uncertain significance for Charcot-Marie-Tooth disease axonal type 2F. Last evaluated: 2025-12-30. Review status: criteria provided, single submitter. Criteria: Invitae Variant Classification Sherloc (09022015). Collection method: clinical testing. Allele origin: germline.
Comment: This sequence change replaces proline, which is neutral and non-polar, with threonine, which is neutral and polar, at codon 24 of the HSPB1 protein (p.Pro24Thr). This variant is present in population databases (no rsID available, gnomAD 0.02%). This variant has not been reported in the literature in individuals affected with HSPB1-related conditions. ClinVar contains an entry for this variant (Variation ID: 1017961). Invitae Evidence Modeling of protein sequence and biophysical properties (such as structural, functional, and spatial information, amino acid conservation, physicochemical variation, residue mobility, and thermodynamic stability) has been performed for this missense variant. However, the output from this modeling did not meet the statistical confidence thresholds required to predict the impact of this variant on HSPB1 protein function. In summary, the available evidence is currently insufficient to determine the role of this variant in disease. Therefore, it has been classified as a Variant of Uncertain Significance.

NM_001540.5(HSPB1):c.70C>A (p.Pro24Thr)

Gene: HSPB1 (heat shock protein family B (small) member 1; plus strand). Cytogenetic location: 7q11.23.
Variant type: single nucleotide variant.
Coding change: c.70C>A on transcript NM_001540.5 (MANE Select); coding-DNA position 70, C replaced by A.
Protein change: p.Pro24Thr; replaces proline 24 with threonine.
Molecular consequence: missense variant.
Genome position (GRCh38, 1-based): chr7:76,302,782, C>A. VCF-style: chr7-76302782-C-A. GRCh37 (hg19) VCF-style: chr7-75932099-C-A.
Other names: short protein forms P24T.
Identifiers: ClinVar variation 1017961 (VCV001017961.8), dbSNP rs1414148792, ClinGen allele CA367762839.